The following is an entry in ClinVar:

ClinVar aggregate classification (germline): Likely benign (0 of 4 stars; one submission).

Conditions:
FILIP1L-related disorder. Also called: FILIP1L-related condition.

Allele frequency attached by ClinVar (database versions not stated): gnomAD exomes 0.00004; TOPMed 0.00009; ExAC 0.00017.
gnomAD v4.1: 64 of 1,614,224 alleles (0.004%); highest among the groups gnomAD compares: Admixed American, 0.068%; 2 homozygotes.

Submission:

PreventionGenetics, part of Exact Sciences
Classification: Likely benign for FILIP1L-related condition. Last evaluated: 2019-04-24. Review status: no assertion criteria provided. Collection method: clinical testing. Allele origin: germline.
Comment: This variant is classified as likely benign based on ACMG/AMP sequence variant interpretation guidelines (Richards et al. 2015 PMID: 25741868, with internal and published modifications).

NM_001387850.1(FILIP1L):c.3283T>C (p.Leu1095=)

Genes: CMSS1 (cms1 ribosomal small subunit homolog; plus strand), FILIP1L (filamin A interacting protein 1 like; minus strand), LOC105374010 (uncharacterized LOC105374010; plus strand). Cytogenetic location: 3q12.1.
Variant type: single nucleotide variant.
Coding change: c.3283T>C on transcript NM_001387850.1 (MANE Select); coding-DNA position 3283, T replaced by C.
Protein change: p.Leu1095=; no amino-acid change (leucine 1095 retained).
Molecular consequence: synonymous variant. On other transcripts: intron variant (2).
Genome position (GRCh38, 1-based): chr3:99,848,393, A>G on the plus strand (T>C on the coding strand, the complement: FILIP1L is on the minus strand). VCF-style: chr3-99848393-A-G. GRCh37 (hg19) VCF-style: chr3-99567237-A-G.
Other names: c.3283T>C, p.Leu1095= (NM_001042459.3, NM_182909.4); c.2011T>C, p.Leu671= (NM_001282793.2); c.2563T>C, p.Leu855= (NM_001282794.2, NM_001370247.1, NM_001387851.1 and 1 more transcripts); c.64+30350A>G (NM_032359.4); c.606-17788T>C (NM_001387852.1).
Identifiers: ClinVar variation 3057961 (VCV003057961.2), dbSNP rs780442992, ClinGen allele CA2513290.